The following is an entry in ClinVar:

NM_000256.3(MYBPC3):c.2968C>A (p.Pro990Thr)

Gene: MYBPC3 (myosin binding protein C3; minus strand). Cytogenetic location: 11p11.2.
Variant type: single nucleotide variant.
Coding change: c.2968C>A on transcript NM_000256.3 (MANE Select); coding-DNA position 2968, C replaced by A.
Protein change: p.Pro990Thr; replaces proline 990 with threonine.
Molecular consequence: missense variant.
Genome position (GRCh38, 1-based): chr11:47,333,948, G>T on the plus strand (C>A on the coding strand, the complement: MYBPC3 is on the minus strand). VCF-style: chr11-47333948-G-T. GRCh37 (hg19) VCF-style: chr11-47355499-G-T.
Other names: short protein forms P990T.
Identifiers: ClinVar variation 923745 (VCV000923745.8), dbSNP rs776100156, ClinGen allele CA221683046.

ClinVar aggregate classification (germline): Uncertain significance. Review status: criteria provided, multiple submitters, no conflicts (2 of 4 stars). 4 submissions from 4 submitters: Uncertain significance (4). Last evaluated 2026-07-01.

Conditions:
Cardiomyopathy (CMYO). Also called: Cardiomyopathies. Identifiers: Orphanet 167848, MedGen C0878544, MONDO:0004994, HP:0001638. Inheritance: Various modes of inheritance.
Hypertrophic cardiomyopathy. Also called: HYPERTROPHIC MYOCARDIOPATHY. Identifiers: Orphanet 217569, MedGen C0007194, MeSH D002312, MONDO:0005045, HP:0001639.
Cardiovascular phenotype. Identifiers: MedGen CN230736.

Allele frequency attached by ClinVar (database versions not stated): gnomAD exomes 0.00002.
gnomAD v4.1: 5 of 1,581,632 alleles (0.00032%); highest among the groups gnomAD compares: East Asian, 0.0023%; no homozygotes.

Submissions (4):

Ambry Genetics
Classification: Uncertain significance for Cardiovascular phenotype. Last evaluated: 2026-07-01. Review status: criteria provided, single submitter. Criteria: Ambry Variant Classification Scheme 2023. Collection method: clinical testing. Allele origin: germline.
Comment: The p.P990T variant (also known as c.2968C>A), located in coding exon 28 of the MYBPC3 gene, results from a C to A substitution at nucleotide position 2968. The proline at codon 990 is replaced by threonine, an amino acid with highly similar properties. This amino acid position is conserved. In addition, this alteration is predicted to be tolerated by in silico analysis. Based on the available evidence, the clinical significance of this variant remains unclear.

Labcorp Genetics (formerly Invitae), Labcorp
Classification: Uncertain significance for Hypertrophic cardiomyopathy. Last evaluated: 2024-10-15. Review status: criteria provided, single submitter. Criteria: Invitae Variant Classification Sherloc (09022015). Collection method: clinical testing. Allele origin: germline.
Comment: This sequence change replaces proline, which is neutral and non-polar, with threonine, which is neutral and polar, at codon 990 of the MYBPC3 protein (p.Pro990Thr). The frequency data for this variant in the population databases is considered unreliable, as metrics indicate poor data quality at this position in the gnomAD database. This variant has not been reported in the literature in individuals affected with MYBPC3-related conditions. ClinVar contains an entry for this variant (Variation ID: 923745). An algorithm developed to predict the effect of missense changes on protein structure and function outputs the following: PolyPhen-2: "Benign". The threonine amino acid residue is found in multiple mammalian species, which suggests that this missense change does not adversely affect protein function. In summary, the available evidence is currently insufficient to determine the role of this variant in disease. Therefore, it has been classified as a Variant of Uncertain Significance.

All of Us Research Program, National Institutes of Health
Classification: Uncertain significance for Hypertrophic cardiomyopathy. Last evaluated: 2024-03-24. Review status: criteria provided, single submitter. Criteria: ACMG Guidelines, 2015. Collection method: clinical testing. Allele origin: germline. Inheritance: Autosomal dominant inheritance. Observed: 1 variant allele, 1 heterozygote.
Comment: This missense variant replaces proline with threonine at codon 990 of the MYBPC3 protein. Computational prediction suggests that this variant may not impact protein structure and function (internally defined REVEL score threshold <= 0.5, PMID: 27666373). To our knowledge, functional studies have not been reported for this variant. This variant has not been reported in individuals affected with cardiovascular disorders in the literature. This variant has been identified in 3/198000 chromosomes in the general population by the Genome Aggregation Database (gnomAD). The available evidence is insufficient to determine the role of this variant in disease conclusively. Therefore, this variant is classified as a Variant of Uncertain Significance.

This study involves interpretation of variants in research participants for the purpose of population health screening. Participant phenotype was not available at the time of variant classification. Additional details can be found in publication PMID: 35346344, PMCID: PMC8962531

Color Diagnostics, LLC DBA Color Health
Classification: Uncertain significance for Cardiomyopathy. Last evaluated: 2024-03-06. Review status: criteria provided, single submitter. Criteria: ACMG Guidelines, 2015. Collection method: clinical testing. Allele origin: germline.
Comment: This missense variant replaces proline with threonine at codon 990 of the MYBPC3 protein. Computational prediction tools indicate that this variant has a neutral impact on protein structure and function. To our knowledge, functional studies have not been reported for this variant. This variant has not been reported in individuals affected with MYBPC3-related disorders in the literature. This variant has been identified in 3/198000 chromosomes in the general population by the Genome Aggregation Database (gnomAD). The available evidence is insufficient to determine the role of this variant in disease conclusively. Therefore, this variant is classified as a Variant of Uncertain Significance.